The following is an entry in ClinVar:

NM_172362.3(KCNH1):c.1097G>A (p.Arg366His)

Gene: KCNH1 (potassium voltage-gated channel subfamily H member 1; minus strand). Cytogenetic location: 1q32.2.
Variant type: single nucleotide variant.
Coding change: c.1097G>A on transcript NM_172362.3 (MANE Select); coding-DNA position 1097, G replaced by A.
Protein change: p.Arg366His; replaces arginine 366 with histidine.
Molecular consequence: missense variant.
Genome position (GRCh38, 1-based): chr1:210,920,005, C>T on the plus strand (G>A on the coding strand, the complement: KCNH1 is on the minus strand). VCF-style: chr1-210920005-C-T. GRCh37 (hg19) VCF-style: chr1-211093347-C-T.
Other names: c.1016G>A, p.Arg339His (NM_002238.4); short protein forms R339H, R366H.
Identifiers: ClinVar variation 2171336 (VCV002171336.6), dbSNP rs1283810001, ClinGen allele CA344874059.

ClinVar aggregate classification (germline): Conflicting classifications of pathogenicity. Review status: criteria provided, conflicting classifications (1 of 4 stars). 2 submissions from 2 submitters: Uncertain significance (1); Likely benign (1). Last evaluated 2024-03-01.

Submissions (2):

Women's Health and Genetics/Laboratory Corporation of America, LabCorp
Classification: Uncertain significance. Last evaluated: 2024-03-01. Review status: criteria provided, single submitter. Criteria: LabCorp Variant Classification Summary - May 2015. Collection method: clinical testing. Allele origin: germline.
Comment: Variant summary: KCNH1 c.1097G>A (p.Arg366His) results in a non-conservative amino acid change located in the Ion transport domain (IPR005821) of the encoded protein sequence. Five of five in-silico tools predict a damaging effect of the variant on protein function. The variant allele was found at a frequency of 4e-06 in 251094 control chromosomes. The available data on variant occurrences in the general population are insufficient to allow any conclusion about variant significance. To our knowledge, no occurrence of c.1097G>A in individuals affected with KCNH1-Related Disorders and no experimental evidence demonstrating its impact on protein function have been reported. ClinVar contains an entry for this variant (Variation ID: 2171336). Based on the evidence outlined above, the variant was classified as uncertain significance.

Labcorp Genetics (formerly Invitae), Labcorp
Classification: Likely benign. Last evaluated: 2023-08-10. Review status: criteria provided, single submitter. Criteria: Invitae Variant Classification Sherloc (09022015). Collection method: clinical testing. Allele origin: germline.